The following is an entry in ClinVar:

NM_014000.3(VCL):c.1880_1881insGGA (p.Phe626_Asp627insGlu)

Gene: VCL (vinculin; plus strand). Cytogenetic location: 10q22.2.
Variant type: Insertion.
Coding change: c.1880_1881insGGA on transcript NM_014000.3 (MANE Select); coding-DNA positions 1880 to 1881, GGA inserted.
Protein change: p.Phe626_Asp627insGlu.
Molecular consequence: inframe insertion.
Genome position: GRCh38 VCF-style: chr10-74100953-T-TGAG. GRCh37 (hg19) VCF-style: chr10-75860711-T-TGAG.
Other names: c.1880_1881insGGA, p.Phe626_Asp627insGlu (NM_003373.4).
Identifiers: ClinVar variation 1781877 (VCV001781877.4), dbSNP rs2549229660, ClinGen allele CA2580082047.
Genomic context (GRCh38, chr10:74,100,953, plus strand): 5'-CTGCCTGACCCATTTTATTGAAATAAATGTTCTTAATATCTGTTTTTTCCTCAAGGTATT[T>TGAG]GATGAGAGGGCAGCTAACTTTGAAAACCATTCAGGAAAGCTTGGTGCTACGGCCGAGAAG-3'

ClinVar aggregate classification (germline): Uncertain significance. Review status: criteria provided, multiple submitters, no conflicts (2 of 4 stars). 2 submissions from 2 submitters: Uncertain significance (2). Last evaluated 2024-06-11.

Conditions:
Cardiovascular phenotype. Identifiers: MedGen CN230736.
Dilated cardiomyopathy 1W (CMD1W). Identifiers: Orphanet 154, MedGen C1969639, MONDO:0012667, OMIM 611407.

Submissions (2):

Labcorp Genetics (formerly Invitae), Labcorp
Classification: Uncertain significance for Dilated cardiomyopathy 1W. Last evaluated: 2024-06-11. Review status: criteria provided, single submitter. Criteria: Invitae Variant Classification Sherloc (09022015). Collection method: clinical testing. Allele origin: germline.
Comment: This variant, c.1880_1881insGGA, results in the insertion of 1 amino acid(s) of the VCL protein (p.Phe626_Asp627insGlu), but otherwise preserves the integrity of the reading frame. This variant is not present in population databases (gnomAD no frequency). This variant has not been reported in the literature in individuals affected with VCL-related conditions. ClinVar contains an entry for this variant (Variation ID: 1781877). In summary, the available evidence is currently insufficient to determine the role of this variant in disease. Therefore, it has been classified as a Variant of Uncertain Significance.

Ambry Genetics
Classification: Uncertain significance for Cardiovascular phenotype. Last evaluated: 2021-06-24. Review status: criteria provided, single submitter. Criteria: Ambry Variant Classification Scheme 2023. Collection method: clinical testing. Allele origin: germline.
Comment: The c.1880_1881insGGA variant (also known as p.F626_D627insE), located in coding exon 14 of the VCL gene, results from an in-frame GGA insertion at nucleotide positions 1880 to 1881. This results in the insertion of an extra glutamic acid residue between codons 626 and 627. This amino acid region is well conserved in available vertebrate species. In addition, this alteration is predicted to be deleterious by in silico analysis (Choi Y et al. PLoS ONE. 2012; 7(10):e46688). Since supporting evidence is limited at this time, the clinical significance of this alteration remains unclear.